The following is an entry in ClinVar:

NM_004304.5(ALK):c.3840_3841delinsAG (p.Ser1281Gly)

Gene: ALK (ALK receptor tyrosine kinase; minus strand). Cytogenetic location: 2p23.2.
Variant type: Indel.
Coding change: c.3840_3841delinsAG on transcript NM_004304.5 (MANE Select); coding-DNA positions 3840 to 3841, GA replaced by AG.
Protein change: p.Ser1281Gly; replaces serine 1281 with glycine.
Molecular consequence: missense variant.
Genome position (GRCh38, 1-based): chr2:29,207,268-29,207,269, TC replaced by CT on the plus strand (GA replaced by AG on the coding strand, the reverse complement: ALK is on the minus strand). VCF-style: chr2-29207268-TC-CT. GRCh37 (hg19) VCF-style: chr2-29430134-TC-CT.
Other names: c.636_637delinsAG, p.Ser213Gly (NM_001353765.2); short protein forms S1281G, S213G.
Identifiers: ClinVar variation 4759276 (VCV004759276.1).
Genomic context (GRCh38, chr2:29,207,268, plus strand): 5'-AGGCCTCTGGGGGCATCCACTTAACTGGCAGCATGGCACAGCCTCCCTTTCTATAGTAGC[TC>CT]GCCCTGTGGGGAAGGAGAGGAAAACCAAACTAGGATCTGGAGATGGCATTAAGCATCTGC-3'
Protein context (NP_004295.2, residues 1271-1291): FGMARDIYRA[Ser1281Gly]YYRKGGCAML

ClinVar aggregate classification (germline): Uncertain significance (1 of 4 stars; one submission).

Conditions:
Neuroblastoma, susceptibility to, 3. Also called: ALK-Related Neuroblastic Tumor Susceptibility. Identifiers: Orphanet 635, MedGen C2751681, MONDO:0013083, OMIM 613014.

Submission:

Institute for Genomic Medicine (IGM) Clinical Laboratory, Nationwide Children's Hospital
Classification: Uncertain significance for Neuroblastoma, susceptibility to, 3. Last evaluated: 2024-04-19. Review status: criteria provided, single submitter. Criteria: ACMG Guidelines, 2015. Collection method: clinical testing. Allele origin: germline.
Comment: This variant is located in a mutational hot spot and/or critical and well-established functional domain (ACMG/AMP: PM1). This variant is absent from or present at an exceedingly low frequency in gnomAD, a large-scale control population database (ACMG/AMP: PM2). This variant occurs in a gene with a low rate of benign missense variation, in which missense alterations are a common mechanism of disease (ACMG/AMP: PP2).